The following is an entry in ClinVar:

ClinVar aggregate classification (germline): Pathogenic (1 of 4 stars; one submission).

Submission:

Labcorp Genetics (formerly Invitae), Labcorp
Classification: Pathogenic. Last evaluated: 2022-09-27. Review status: criteria provided, single submitter. Criteria: Invitae Variant Classification Sherloc (09022015). Collection method: clinical testing. Allele origin: germline.
Comment: This sequence change replaces alanine, which is neutral and non-polar, with proline, which is neutral and non-polar, at codon 2084 of the ABCA4 protein (p.Ala2084Pro). This variant is not present in population databases (gnomAD no frequency). This missense change has been observed in individual(s) with clinical features of inherited retinal disease and/or Stargardt disease (PMID: 30093795; Invitae). In at least one individual the data is consistent with being in trans (on the opposite chromosome) from a pathogenic variant. Advanced modeling of protein sequence and biophysical properties (such as structural, functional, and spatial information, amino acid conservation, physicochemical variation, residue mobility, and thermodynamic stability) performed at Invitae indicates that this missense variant is expected to disrupt ABCA4 protein function. For these reasons, this variant has been classified as Pathogenic.

Literature cited by the submitters: PubMed 30093795.

NM_000350.3(ABCA4):c.6250G>C (p.Ala2084Pro)

Gene: ABCA4 (ATP binding cassette subfamily A member 4; minus strand). Cytogenetic location: 1p22.1.
Variant type: single nucleotide variant.
Coding change: c.6250G>C on transcript NM_000350.3 (MANE Select); coding-DNA position 6250, G replaced by C.
Protein change: p.Ala2084Pro; replaces alanine 2084 with proline.
Molecular consequence: missense variant.
Genome position (GRCh38, 1-based): chr1:94,001,890, C>G on the plus strand (G>C on the coding strand, the complement: ABCA4 is on the minus strand). VCF-style: chr1-94001890-C-G. GRCh37 (hg19) VCF-style: chr1-94467446-C-G.
Other names: c.6028G>C, p.Ala2010Pro (NM_001425324.1); short protein forms A2084P, A2010P.
Identifiers: ClinVar variation 2151882 (VCV002151882.4), dbSNP rs1250914690, ClinGen allele CA341278194.